The following is an entry in ClinVar:

ClinVar aggregate classification (germline): Benign. Review status: criteria provided, multiple submitters, no conflicts (2 of 4 stars). 3 submissions from 3 submitters: Benign (2). 1 of the submissions does not count toward it. Last evaluated 2022-05-04.

Conditions:
CHD1L-related disorder. Also called: CHD1L-related condition.

Allele frequency attached by ClinVar (database versions not stated): gnomAD 0.00001 and 0.00015; TOPMed 0.00005; gnomAD exomes 0.00033 and 0.00078; ExAC 0.00087; 1000 Genomes Project 30x 0.00156; 1000 Genomes Project 0.00160.
gnomAD v4.1: 520 of 1,613,908 alleles (0.032%); highest among the groups gnomAD compares: South Asian, 0.53%; 7 homozygotes.

Submissions (3):

Mendelics
Classification: Benign. Last evaluated: 2022-05-04. Review status: criteria provided, single submitter. Criteria: Mendelics Assertion Criteria 2019. Collection method: clinical testing. Allele origin: germline.

Labcorp Genetics (formerly Invitae), Labcorp
Classification: Benign. Last evaluated: 2021-10-04. Review status: criteria provided, single submitter. Criteria: Invitae Variant Classification Sherloc (09022015). Collection method: clinical testing. Allele origin: germline.

PreventionGenetics, part of Exact Sciences
Classification: Likely benign for CHD1L-related condition. Last evaluated: 2024-05-08. Review status: no assertion criteria provided. Collection method: clinical testing. Allele origin: germline. Not counted in ClinVar's aggregate classification.
Comment: This variant is classified as likely benign based on ACMG/AMP sequence variant interpretation guidelines (Richards et al. 2015 PMID: 25741868, with internal and published modifications).

NM_004284.6(CHD1L):c.1551A>G (p.Ile517Met)

Gene: CHD1L (chromodomain helicase DNA binding protein 1 like; plus strand). Cytogenetic location: 1q21.1.
Variant type: single nucleotide variant.
Coding change: c.1551A>G on transcript NM_004284.6 (MANE Select); coding-DNA position 1551, A replaced by G.
Protein change: p.Ile517Met; replaces isoleucine 517 with methionine.
Molecular consequence: missense variant. On other transcripts: non-coding transcript variant (15).
Genome position (GRCh38, 1-based): chr1:147,280,037, A>G. VCF-style: chr1-147280037-A-G. GRCh37 (hg19) VCF-style: chr1-146751710-A-G.
Other names: c.1551A>G (NM_004284.4); c.1251A>G, p.Ile417Met (NM_001256336.3); c.708A>G, p.Ile236Met (NM_001256337.3, NM_001348456.2, NM_001348457.2 and 9 more transcripts); c.939A>G, p.Ile313Met (NM_001256338.3); c.1335A>G, p.Ile445Met (NM_001348451.2, NM_001348452.2); c.1212A>G, p.Ile404Met (NM_001348453.2, NM_024568.4); c.1095A>G, p.Ile365Met (NM_001348454.2); c.1062A>G, p.Ile354Met (NM_001348455.2); short protein forms I236M, I313M, I354M, I365M, I404M, I417M, I445M, I517M.
Identifiers: ClinVar variation 1606025 (VCV001606025.7), dbSNP rs376783101, ClinGen allele CA501243.